The following is an entry in ClinVar:

NM_001037.5(SCN1B):c.219T>G (p.Tyr73Ter)

Gene: SCN1B (sodium voltage-gated channel beta subunit 1; plus strand). Cytogenetic location: 19q13.11.
Variant type: single nucleotide variant.
Coding change: c.219T>G on transcript NM_001037.5 (MANE Select); coding-DNA position 219, T replaced by G.
Protein change: p.Tyr73Ter; replaces tyrosine 73 with a stop codon.
Molecular consequence: nonsense.
Genome position (GRCh38, 1-based): chr19:35,033,510, T>G. VCF-style: chr19-35033510-T-G. GRCh37 (hg19) VCF-style: chr19-35524414-T-G.
Other names: c.120T>G, p.Tyr40Ter (NM_001321605.2); c.219T>G, p.Tyr73Ter (NM_199037.5); short protein forms Y40*, Y73*.
Identifiers: ClinVar variation 1376394 (VCV001376394.6), dbSNP rs2151746369, ClinGen allele CA405328493.

ClinVar aggregate classification (germline): Pathogenic (1 of 4 stars; one submission).

Conditions:
Brugada syndrome 5 (BRGDA5). Identifiers: Orphanet 130, Orphanet 871, MedGen C2748541, MONDO:0013015, OMIM 612838.

Submission:

Labcorp Genetics (formerly Invitae), Labcorp
Classification: Pathogenic for Brugada syndrome 5. Last evaluated: 2024-04-17. Review status: criteria provided, single submitter. Criteria: Invitae Variant Classification Sherloc (09022015). Collection method: clinical testing. Allele origin: germline.
Comment: This sequence change creates a premature translational stop signal (p.Tyr73*) in the SCN1B gene. While this is not anticipated to result in nonsense mediated decay, it is expected to disrupt the last 196 amino acid(s) of the SCN1B protein. This variant is not present in population databases (gnomAD no frequency). This variant has not been reported in the literature in individuals affected with SCN1B-related conditions. ClinVar contains an entry for this variant (Variation ID: 1376394). Experimental studies and prediction algorithms are not available or were not evaluated, and the functional significance of this variant is currently unknown. This variant disrupts a region of the SCN1B protein in which other variant(s) (p.Trp179*) have been determined to be pathogenic (PMID: 18464934; Invitae). This suggests that this is a clinically significant region of the protein, and that variants that disrupt it are likely to be disease-causing. For these reasons, this variant has been classified as Pathogenic.

Literature cited by the submitters: PubMed 18464934.